The following is an entry in ClinVar:

NM_001378120.1(MBD5):c.3793A>T (p.Ile1265Leu)

Gene: MBD5 (methyl-CpG binding domain protein 5; plus strand). Cytogenetic location: 2q23.1.
Variant type: single nucleotide variant.
Coding change: c.3793A>T on transcript NM_001378120.1 (MANE Select); coding-DNA position 3793, A replaced by T.
Protein change: p.Ile1265Leu; replaces isoleucine 1265 with leucine.
Molecular consequence: missense variant.
Genome position (GRCh38, 1-based): chr2:148,489,425, A>T. VCF-style: chr2-148489425-A-T. GRCh37 (hg19) VCF-style: chr2-149246994-A-T.
Other names: c.3094A>T, p.Ile1032Leu (NM_018328.5); short protein forms I1032L, I1265L.
Identifiers: ClinVar variation 206094 (VCV000206094.13), dbSNP rs774513612, ClinGen allele CA315844.

ClinVar aggregate classification (germline): Conflicting classifications of pathogenicity. Review status: criteria provided, conflicting classifications (1 of 4 stars). 3 submissions from 3 submitters: Uncertain significance (1); Benign (1); Likely benign (1). Last evaluated 2025-11-06.

Conditions:
MBD5-related disorder. Also called: MBD5-related condition.
Inborn genetic diseases. Identifiers: MedGen C0950123, MeSH D030342.
Intellectual developmental disorder, autosomal dominant 1. Also called: Intellectual disability, autosomal dominant 1; MBD5 Haploinsufficiency. Identifiers: Orphanet 228402, MedGen C1969562, MONDO:0007974, OMIM 156200.

Allele frequency attached by ClinVar (database versions not stated): gnomAD exomes below 0.00001 and 0.00001; ExAC 0.00001; gnomAD 0.00009 and 0.00011; TOPMed 0.00015.
gnomAD v4.1: 21 of 1,614,102 alleles (0.0013%); highest among the groups gnomAD compares: Admixed American, 0.022%; no homozygotes.

Submissions (3):

PreventionGenetics, part of Exact Sciences
Classification: Uncertain significance for MBD5-related condition. Last evaluated: 2025-11-06. Review status: criteria provided, single submitter. Criteria: ACMG Guidelines, 2015. Collection method: clinical testing. Allele origin: germline.
Comment: The MBD5 c.3094A>T variant is predicted to result in the amino acid substitution p.Ile1032Leu. To our knowledge, this variant has not been reported in the literature. This variant is reported in 0.0056% of alleles in individuals of Latino descent in gnomAD. At this time, the clinical significance of this variant is uncertain due to the absence of conclusive functional and genetic evidence.

Labcorp Genetics (formerly Invitae), Labcorp
Classification: Benign for Intellectual developmental disorder, autosomal dominant 1. Last evaluated: 2025-10-07. Review status: criteria provided, single submitter. Criteria: Invitae Variant Classification Sherloc (09022015). Collection method: clinical testing. Allele origin: germline.

Ambry Genetics
Classification: Likely benign for Inborn genetic diseases. Last evaluated: 2023-03-17. Review status: criteria provided, single submitter. Criteria: Ambry Variant Classification Scheme 2023. Collection method: clinical testing. Allele origin: germline.